The following is an entry in ClinVar:

ClinVar aggregate classification (germline): Uncertain significance (1 of 4 stars; one submission).

Conditions:
Muscular dystrophy-dystroglycanopathy (congenital with brain and eye anomalies), type A, 7. Also called: WALKER-WARBURG SYNDROME OR MUSCLE-EYE-BRAIN DISEASE, ISPD-RELATED; Congenital muscular dystrophy-dystroglycanopathy with brain and eye anomalies, type A7. Identifiers: Orphanet 899, MedGen C3553330, MONDO:0013835, OMIM 614643.
Autosomal recessive limb-girdle muscular dystrophy type 2U. Also called: Muscular dystrophy-dystroglycanopathy (limb-girdle), type c, 7; MUSCULAR DYSTROPHY, LIMB-GIRDLE, TYPE 2U. Identifiers: Orphanet 352479, MedGen C5190987, MONDO:0014474, OMIM 616052.

gnomAD v4.1: 1 of 1,289,072 alleles (0.000078%); highest among the groups gnomAD compares: Non-Finnish European, 0.000099%; no homozygotes.

Submission:

Labcorp Genetics (formerly Invitae), Labcorp
Classification: Uncertain significance for Muscular dystrophy-dystroglycanopathy (congenital with brain and eye anomalies), type A, 7; Autosomal recessive limb-girdle muscular dystrophy type 2U. Last evaluated: 2022-11-22. Review status: criteria provided, single submitter. Criteria: Invitae Variant Classification Sherloc (09022015). Collection method: clinical testing. Allele origin: germline.
Comment: ClinVar contains an entry for this variant (Variation ID: 1680808). In summary, the available evidence is currently insufficient to determine the role of this variant in disease. Therefore, it has been classified as a Variant of Uncertain Significance. Advanced modeling of protein sequence and biophysical properties (such as structural, functional, and spatial information, amino acid conservation, physicochemical variation, residue mobility, and thermodynamic stability) performed at Invitae indicates that this missense variant is not expected to disrupt ISPD protein function. This variant has not been reported in the literature in individuals affected with ISPD-related conditions. This variant is not present in population databases (gnomAD no frequency). This sequence change replaces glutamine, which is neutral and polar, with proline, which is neutral and non-polar, at codon 82 of the ISPD protein (p.Gln82Pro).

NM_001101426.4(CRPPA):c.245A>C (p.Gln82Pro)

Gene: CRPPA (CDP-L-ribitol pyrophosphorylase A; minus strand). Cytogenetic location: 7p21.2.
Variant type: single nucleotide variant.
Coding change: c.245A>C on transcript NM_001101426.4 (MANE Select); coding-DNA position 245, A replaced by C.
Protein change: p.Gln82Pro; replaces glutamine 82 with proline.
Molecular consequence: missense variant. On other transcripts: non-coding transcript variant (1).
Genome position (GRCh38, 1-based): chr7:16,421,078, T>G on the plus strand (A>C on the coding strand, the complement: CRPPA is on the minus strand). VCF-style: chr7-16421078-T-G. GRCh37 (hg19) VCF-style: chr7-16460703-T-G.
Other names: c.245A>C, p.Gln82Pro (NM_001101417.4, NM_001368197.1); short protein forms Q82P.
Identifiers: ClinVar variation 1680808 (VCV001680808.8), dbSNP rs949985964, ClinGen allele CA367003863.